The following is an entry in ClinVar:

ClinVar aggregate classification (germline): Uncertain significance. Review status: criteria provided, multiple submitters, no conflicts (2 of 4 stars). 3 submissions from 3 submitters: Uncertain significance (3). Last evaluated 2024-11-25.

Allele frequency attached by ClinVar (database versions not stated): gnomAD exomes 0.00001 and 0.00005; ExAC 0.00005; TOPMed 0.00008; gnomAD 0.00011 and 0.00012.
gnomAD v4.1: 28 of 1,398,406 alleles (0.002%); highest among the groups gnomAD compares: African/African-American, 0.034%; no homozygotes.

Submissions (3):

Ambry Genetics
Classification: Uncertain significance. Last evaluated: 2024-11-25. Review status: criteria provided, single submitter. Criteria: Ambry Variant Classification Scheme 2023. Collection method: clinical testing. Allele origin: germline.

Labcorp Genetics (formerly Invitae), Labcorp
Classification: Uncertain significance. Last evaluated: 2024-11-11. Review status: criteria provided, single submitter. Criteria: Invitae Variant Classification Sherloc (09022015). Collection method: clinical testing. Allele origin: germline.
Comment: This sequence change replaces methionine, which is neutral and non-polar, with threonine, which is neutral and polar, at codon 450 of the ZCCHC8 protein (p.Met450Thr). This variant is present in population databases (rs771416498, gnomAD 0.05%), and has an allele count higher than expected for a pathogenic variant. This variant has not been reported in the literature in individuals affected with ZCCHC8-related conditions. ClinVar contains an entry for this variant (Variation ID: 252712). Invitae Evidence Modeling of protein sequence and biophysical properties (such as structural, functional, and spatial information, amino acid conservation, physicochemical variation, residue mobility, and thermodynamic stability) indicates that this missense variant is not expected to disrupt ZCCHC8 protein function with a negative predictive value of 80%. In summary, the available evidence is currently insufficient to determine the role of this variant in disease. Therefore, it has been classified as a Variant of Uncertain Significance.

Genomic Diagnostic Laboratory, Division of Genomic Diagnostics, Children's Hospital of Philadelphia
Classification: Uncertain significance. Last evaluated: 2015-10-29. Review status: criteria provided, single submitter. Criteria: DGD Variant Analysis Guidelines. Collection method: clinical testing. Allele origin: unknown.

NM_017612.5(ZCCHC8):c.1349T>C (p.Met450Thr)

Gene: ZCCHC8 (zinc finger CCHC-type containing 8; minus strand). Cytogenetic location: 12q24.31.
Variant type: single nucleotide variant.
Coding change: c.1349T>C on transcript NM_017612.5 (MANE Select); coding-DNA position 1349, T replaced by C.
Protein change: p.Met450Thr; replaces methionine 450 with threonine.
Molecular consequence: missense variant.
Genome position (GRCh38, 1-based): chr12:122,474,272, A>G on the plus strand (T>C on the coding strand, the complement: ZCCHC8 is on the minus strand). VCF-style: chr12-122474272-A-G. GRCh37 (hg19) VCF-style: chr12-122958819-A-G.
Other names: c.1118T>C, p.Met373Thr (NM_001350935.2); c.1052T>C, p.Met351Thr (NM_001350936.2); c.635T>C, p.Met212Thr (NM_001350937.2, NM_001350938.2); short protein forms M450T, M373T, M212T, M351T.
Identifiers: ClinVar variation 252712 (VCV000252712.6), dbSNP rs771416498, ClinGen allele CA6846186.